The following is an entry in ClinVar:

NM_003738.5(PTCH2):c.52G>C (p.Ala18Pro)

Gene: PTCH2 (patched 2; minus strand). Cytogenetic location: 1p34.1.
Variant type: single nucleotide variant.
Coding change: c.52G>C on transcript NM_003738.5 (MANE Select); coding-DNA position 52, G replaced by C.
Protein change: p.Ala18Pro; replaces alanine 18 with proline.
Molecular consequence: missense variant.
Genome position (GRCh38, 1-based): chr1:44,842,881, C>G on the plus strand (G>C on the coding strand, the complement: PTCH2 is on the minus strand). VCF-style: chr1-44842881-C-G. GRCh37 (hg19) VCF-style: chr1-45308553-C-G.
Other names: c.52G>C, p.Ala18Pro (NM_001166292.2); short protein forms A18P.
Identifiers: ClinVar variation 657771 (VCV000657771.11), dbSNP rs1186947999, ClinGen allele CA340111251.
Genomic context (GRCh38, chr1:44,842,881, plus strand): 5'-GCTCCGCTCTCTTCCTTCTTCCAGCTCCCCCTCTACTCACCTGGGGTGCTGCGGTTCGAG[C>G]TGGGGGTGTGTAACTCGGGGGCAGCTCTCTGAGGGGCGGCGATCGAGTCATGCTGGCGGG-3'
Protein context (NP_003729.3, residues 8-28): RELPPSYTPP[Ala18Pro]RTAAPQILAG

ClinVar aggregate classification (germline): Uncertain significance (1 of 4 stars; one submission).

Conditions:
Gorlin syndrome. Also called: Nevoid Basal Cell Carcinoma Syndrome; Basal cell nevus syndrome. Identifiers: Orphanet 377, MedGen C0004779, MONDO:0007187.

Allele frequency attached by ClinVar (database versions not stated): gnomAD 0.00001.
gnomAD v4.1: 1 of 1,547,102 alleles (0.000065%); highest among the groups gnomAD compares: Non-Finnish European, 0.000087%; no homozygotes.

Submission:

Labcorp Genetics (formerly Invitae), Labcorp
Classification: Uncertain significance for Gorlin syndrome. Last evaluated: 2024-04-10. Review status: criteria provided, single submitter. Criteria: Invitae Variant Classification Sherloc (09022015). Collection method: clinical testing. Allele origin: germline.
Comment: This sequence change replaces alanine, which is neutral and non-polar, with proline, which is neutral and non-polar, at codon 18 of the PTCH2 protein (p.Ala18Pro). This variant is present in population databases (no rsID available, gnomAD 0.007%). This variant has not been reported in the literature in individuals affected with PTCH2-related conditions. ClinVar contains an entry for this variant (Variation ID: 657771). Algorithms developed to predict the effect of missense changes on protein structure and function output the following: SIFT: "Not Available"; PolyPhen-2: "Benign"; Align-GVGD: "Not Available". The proline amino acid residue is found in multiple mammalian species, which suggests that this missense change does not adversely affect protein function. In summary, the available evidence is currently insufficient to determine the role of this variant in disease. Therefore, it has been classified as a Variant of Uncertain Significance.